The following is an entry in ClinVar:

NM_000124.4(ERCC6):c.1914del (p.Arg637_Tyr638insTer)

Gene: ERCC6 (ERCC excision repair 6, chromatin remodeling factor; minus strand). Cytogenetic location: 10q11.23.
Variant type: Deletion.
Coding change: c.1914del on transcript NM_000124.4 (MANE Select); coding-DNA position 1914, one base deleted (T; older notation c.1914delT).
Protein change: p.Arg637_Tyr638insTer.
Molecular consequence: nonsense.
Genome position (GRCh38, 1-based): chr10:49,483,424, A deleted on the plus strand (T on the coding strand, the reverse complement: ERCC6 is on the minus strand). VCF-style (leftmost placement, unchanged base first): chr10-49483423-CA-C. GRCh37 (hg19) VCF-style: chr10-50691469-CA-C.
Other names: c.1914del, p.Arg637_Tyr638insTer (NM_001346440.2).
Identifiers: ClinVar variation 3377411 (VCV003377411.1).

ClinVar aggregate classification (germline): Pathogenic (1 of 4 stars; one submission).

Conditions:
Cockayne syndrome type 2 (CSB). Also called: Cockayne Syndrome, Type II; COCKAYNE SYNDROME B. Identifiers: Orphanet 191, Orphanet 90322, MedGen C0751038, MONDO:0019570, OMIM 133540.

Submission:

Victorian Clinical Genetics Services, Murdoch Childrens Research Institute
Classification: Pathogenic for Cockayne syndrome type 2. Last evaluated: 2019-08-28. Review status: criteria provided, single submitter. Criteria: ACMG Guidelines, 2015. Collection method: clinical testing. Allele origin: germline.
Comment: A homozygous nonsense variant was identified, NM_000124.2(ERCC6):c.1914del in exon 9 of 21 of the ERCC6 gene. This nonsense variant is predicted to create a change of tyrosine to a stop at amino acid position 638 of the protein, NP_000115.1(ERCC6):p.(Tyr638*), resulting in the loss of normal protein function through nonsense-mediated decay (NMD). The variant is not present in the gnomAD population database. It has not been previously reported in clinical cases. Other variants predicted to cause NMD have been reported as pathogenic in individuals with this condition (ClinVar). Based on information available at the time of curation, this variant has been classified as PATHOGENIC.